The following is an entry in ClinVar:

ClinVar aggregate classification (germline): Conflicting classifications of pathogenicity. Review status: criteria provided, conflicting classifications (1 of 4 stars). 4 submissions from 4 submitters: Uncertain significance (3); Likely benign (1). Last evaluated 2026-05-11.

Conditions:
Hereditary cancer-predisposing syndrome. Also called: Neoplastic Syndromes, Hereditary; Hereditary neoplastic syndrome; Hereditary Cancer Syndrome; Tumor predisposition. Identifiers: Orphanet 140162, MedGen C0027672, MeSH D009386, MONDO:0015356.

Submissions (4):

Women's Health and Genetics/Laboratory Corporation of America, LabCorp
Classification: Uncertain significance. Last evaluated: 2026-05-11. Review status: criteria provided, single submitter. Criteria: LabCorp Variant Classification Summary - May 2015. Collection method: clinical testing. Allele origin: germline.
Comment: Variant summary: BRCA2 c.1034A>G (p.Lys345Arg) results in a conservative amino acid change in the encoded protein sequence. Algorithms developed to predict the effect of missense changes on protein structure and function all suggest that this variant is likely to be tolerated. The variant was absent in 248544 control chromosomes. The available data on variant occurrences in the general population are insufficient to allow any conclusion about variant significance. To our knowledge, no occurrence of c.1034A>G in individuals affected with BRCA2-related conditions and no experimental evidence demonstrating its impact on protein function have been reported. ClinVar contains an entry for this variant (Variation ID: 438950). Based on the evidence outlined above, the variant was classified as uncertain significance.

Ambry Genetics
Classification: Uncertain significance for Hereditary cancer-predisposing syndrome. Last evaluated: 2024-03-23. Review status: criteria provided, single submitter. Criteria: Ambry Variant Classification Scheme 2023. Collection method: clinical testing. Allele origin: germline.
Comment: The p.K345R variant (also known as c.1034A>G), located in coding exon 9 of the BRCA2 gene, results from an A to G substitution at nucleotide position 1034. The lysine at codon 345 is replaced by arginine, an amino acid with highly similar properties. This amino acid position is poorly conserved in available vertebrate species. In addition, this alteration is predicted to be tolerated by in silico analysis. Since supporting evidence is limited at this time, the clinical significance of this alteration remains unclear.

University of Washington Department of Laboratory Medicine, University of Washington
Classification: Likely benign for Hereditary cancer-predisposing syndrome. Last evaluated: 2023-03-23. Review status: criteria provided, single submitter. Criteria: Dines et al. (Genet Med. 2020). Collection method: curation. Allele origin: germline.
Comment: Missense variant in a coldspot region where missense variants are very unlikely to be pathogenic (PMID:31911673).

BRCA2 exon 10 coldspot. Reclassification based on statistical prior probability.

Quest Diagnostics Nichols Institute San Juan Capistrano
Classification: Uncertain significance. Last evaluated: 2017-05-09. Review status: criteria provided, single submitter. Criteria: Quest Diagnostics criteria. Collection method: clinical testing. Allele origin: germline.

NM_000059.4(BRCA2):c.1034A>G (p.Lys345Arg)

Gene: BRCA2 (BRCA2 DNA repair associated; plus strand). Cytogenetic location: 13q13.1.
Variant type: single nucleotide variant.
Coding change: c.1034A>G on transcript NM_000059.4 (MANE Select); coding-DNA position 1034, A replaced by G.
Protein change: p.Lys345Arg; replaces lysine 345 with arginine.
Molecular consequence: missense variant.
Genome position (GRCh38, 1-based): chr13:32,332,512, A>G. VCF-style: chr13-32332512-A-G. GRCh37 (hg19) VCF-style: chr13-32906649-A-G.
Other names: short protein forms K345R.
Identifiers: ClinVar variation 438950 (VCV000438950.10), dbSNP rs1555281704, ClinGen allele CA387761186.